The following is an entry in ClinVar:

NM_001197104.2(KMT2A):c.6418_6420del (p.His2140del)

Gene: KMT2A (lysine methyltransferase 2A; plus strand). Cytogenetic location: 11q23.3.
Variant type: Deletion.
Coding change: c.6418_6420del on transcript NM_001197104.2 (MANE Select); coding-DNA positions 6418 to 6420, 3 bases deleted (CAT; older notation c.6418_6420delCAT).
Protein change: p.His2140del; deletes histidine 2140.
Molecular consequence: inframe deletion. On other transcripts: inframe indel (1).
Genome position (GRCh38, 1-based): chr11:118,501,770-118,501,772, CAT deleted; deleting any 3 consecutive bases within chr11:118,501,768-118,501,772 gives the same sequence; the c. name uses the placement nearest the transcript's 3' end. VCF-style (leftmost placement, unchanged base first): chr11-118501767-TATC-T. GRCh37 (hg19) VCF-style: chr11-118372482-TATC-T.
Other names: c.6508_6510delCAT, p.His2170del (NM_001412597.1); c.6409_6411del, p.His2137del (NM_005933.4); short protein forms H2140del, H2137del, H2170del.
Identifiers: ClinVar variation 1966200 (VCV001966200.5), dbSNP rs2496984265, ClinGen allele CA2580083591.

ClinVar aggregate classification (germline): Uncertain significance (1 of 4 stars; one submission).

Submission:

Labcorp Genetics (formerly Invitae), Labcorp
Classification: Uncertain significance. Last evaluated: 2022-06-20. Review status: criteria provided, single submitter. Criteria: Invitae Variant Classification Sherloc (09022015). Collection method: clinical testing. Allele origin: germline.
Comment: In summary, the available evidence is currently insufficient to determine the role of this variant in disease. Therefore, it has been classified as a Variant of Uncertain Significance. Experimental studies and prediction algorithms are not available or were not evaluated, and the functional significance of this variant is currently unknown. This variant has not been reported in the literature in individuals affected with KMT2A-related conditions. This variant is not present in population databases (gnomAD no frequency). This variant, c.6418_6420del, results in the deletion of 1 amino acid(s) of the KMT2A protein (p.His2140del), but otherwise preserves the integrity of the reading frame.